The following is an entry in ClinVar:

NM_001042492.3(NF1):c.7228G>A (p.Val2410Ile)

Gene: NF1 (neurofibromin 1; plus strand). Cytogenetic location: 17q11.2.
Variant type: single nucleotide variant.
Coding change: c.7228G>A on transcript NM_001042492.3 (MANE Select); coding-DNA position 7228, G replaced by A.
Protein change: p.Val2410Ile; replaces valine 2410 with isoleucine.
Molecular consequence: missense variant.
Genome position (GRCh38, 1-based): chr17:31,349,158, G>A. VCF-style: chr17-31349158-G-A. GRCh37 (hg19) VCF-style: chr17-29676176-G-A.
Other names: c.7165G>A, p.Val2389Ile (NM_000267.4); short protein forms V2389I, V2410I.
Identifiers: ClinVar variation 404593 (VCV000404593.11), dbSNP rs1060500372, ClinGen allele CA16615587.

ClinVar aggregate classification (germline): Uncertain significance. Review status: criteria provided, multiple submitters, no conflicts (2 of 4 stars). 2 submissions from 2 submitters: Uncertain significance (2). Last evaluated 2025-05-23.

Conditions:
Hereditary cancer-predisposing syndrome. Also called: Tumor predisposition; Neoplastic Syndromes, Hereditary; Hereditary Cancer Syndrome; Hereditary neoplastic syndrome. Identifiers: Orphanet 140162, MedGen C0027672, MeSH D009386, MONDO:0015356.
Cardiovascular phenotype. Identifiers: MedGen CN230736.
Neurofibromatosis, type 1 (NF1). Also called: Neurofibromatosis, type I; NEUROFIBROMATOSIS, TYPE I, SOMATIC; Peripheral type neurofibromatosis; VON RECKLINGHAUSEN DISEASE. Identifiers: Orphanet 636, MedGen C0027831, MONDO:0018975, OMIM 162200. Disease mechanism: loss of function.

Submissions (2):

Ambry Genetics
Classification: Uncertain significance for Cardiovascular phenotype; Hereditary cancer-predisposing syndrome. Last evaluated: 2025-05-23. Review status: criteria provided, single submitter. Criteria: Ambry Variant Classification Scheme 2023. Collection method: clinical testing. Allele origin: germline.
Comment: The p.V2389I variant (also known as c.7165G>A), located in coding exon 48 of the NF1 gene, results from a G to A substitution at nucleotide position 7165. The valine at codon 2389 is replaced by isoleucine, an amino acid with highly similar properties. This amino acid position is well conserved in available vertebrate species. In addition, this alteration is predicted to be tolerated by in silico analysis. Based on the available evidence, the clinical significance of this variant remains unclear.

Labcorp Genetics (formerly Invitae), Labcorp
Classification: Uncertain significance for Neurofibromatosis, type 1. Last evaluated: 2023-11-17. Review status: criteria provided, single submitter. Criteria: Invitae Variant Classification Sherloc (09022015). Collection method: clinical testing. Allele origin: germline.
Comment: This sequence change replaces valine, which is neutral and non-polar, with isoleucine, which is neutral and non-polar, at codon 2389 of the NF1 protein (p.Val2389Ile). This variant is not present in population databases (gnomAD no frequency). This variant has not been reported in the literature in individuals affected with NF1-related conditions. ClinVar contains an entry for this variant (Variation ID: 404593). Advanced modeling of protein sequence and biophysical properties (such as structural, functional, and spatial information, amino acid conservation, physicochemical variation, residue mobility, and thermodynamic stability) performed at Invitae indicates that this missense variant is not expected to disrupt NF1 protein function with a negative predictive value of 95%. In summary, the available evidence is currently insufficient to determine the role of this variant in disease. Therefore, it has been classified as a Variant of Uncertain Significance.